The following is an entry in ClinVar:

ClinVar aggregate classification (germline): Pathogenic (1 of 4 stars; one submission).

Conditions:
Nemaline myopathy 2 (NEM2). Also called: Nemaline myopathy 2, autosomal recessive. Identifiers: MedGen C1850569, MONDO:0009725, OMIM 256030.

Submission:

Labcorp Genetics (formerly Invitae), Labcorp
Classification: Pathogenic for Nemaline myopathy 2. Last evaluated: 2021-06-11. Review status: criteria provided, single submitter. Criteria: Invitae Variant Classification Sherloc (09022015). Collection method: clinical testing. Allele origin: germline.
Comment: For these reasons, this variant has been classified as Pathogenic. This sequence change creates a premature translational stop signal (p.Asn3200Lysfs*5) in the NEB gene. It is expected to result in an absent or disrupted protein product. Loss-of-function variants in NEB are known to be pathogenic (PMID: 25205138). This variant is not present in population databases (ExAC no frequency). This variant has not been reported in the literature in individuals with NEB-related conditions.

Literature cited by the submitters: PubMed 25205138.

NM_001164508.2(NEB):c.9600del (p.Asn3200fs)

Gene: NEB (nebulin; minus strand). Cytogenetic location: 2q23.3.
Variant type: Deletion.
Coding change: c.9600del on transcript NM_001164508.2 (MANE Select); coding-DNA position 9600, one base deleted (T; older notation c.9600delT).
Protein change: p.Asn3200fs; shifts the reading frame from asparagine 3200.
Molecular consequence: frameshift variant.
Genome position (GRCh38, 1-based): chr2:151,631,161, A deleted on the plus strand (T on the coding strand, the reverse complement: NEB is on the minus strand). VCF-style (leftmost placement, unchanged base first): chr2-151631160-CA-C. GRCh37 (hg19) VCF-style: chr2-152487674-CA-C.
Other names: c.9600del, p.Asn3200fs (NM_001164507.2, NM_001271208.2); c.8871del, p.Asn2957fs (NM_004543.5); short protein forms N3200fs, N2957fs.
Identifiers: ClinVar variation 1364239 (VCV001364239.6), dbSNP rs2154072959, ClinGen allele CA2573133458.